The following is an entry in ClinVar:

NM_000619.3(IFNG):c.81T>C (p.Tyr27=)

Gene: IFNG (interferon gamma; minus strand). Cytogenetic location: 12q15.
Variant type: single nucleotide variant.
Coding change: c.81T>C on transcript NM_000619.3 (MANE Select); coding-DNA position 81, T replaced by C.
Protein change: p.Tyr27=; no amino-acid change (tyrosine 27 retained).
Molecular consequence: synonymous variant.
Genome position (GRCh38, 1-based): chr12:68,159,535, A>G on the plus strand (T>C on the coding strand, the complement: IFNG is on the minus strand). VCF-style: chr12-68159535-A-G. GRCh37 (hg19) VCF-style: chr12-68553315-A-G.
Identifiers: ClinVar variation 2643166 (VCV002643166.24), dbSNP rs200003408, ClinGen allele CA6675936.

ClinVar aggregate classification (germline): Likely benign (1 of 4 stars; one submission).

Allele frequency attached by ClinVar (database versions not stated): ExAC 0.00009; TOPMed 0.00014; gnomAD 0.00016.
gnomAD v4.1: 178 of 1,599,168 alleles (0.011%); highest among the groups gnomAD compares: Non-Finnish European, 0.014%; no homozygotes.

Submission:

CeGaT Center for Human Genetics Tuebingen
Classification: Likely benign. Last evaluated: 2022-03-01. Review status: criteria provided, single submitter. Criteria: CeGaT Center For Human Genetics Tuebingen Variant Classification Criteria Version 2. Collection method: clinical testing. Allele origin: germline. Affected: yes. Observed: 1 variant allele.
Comment: IFNG: BP4, BP7